The following is an entry in ClinVar:

NM_000093.5(COL5A1):c.4821C>T (p.Gly1607=)

Genes: COL5A1 (collagen type V alpha 1 chain; plus strand), LOC101448202 (uncharacterized LOC101448202; minus strand). Cytogenetic location: 9q34.3.
Variant type: single nucleotide variant.
Coding change: c.4821C>T on transcript NM_000093.5 (MANE Select); coding-DNA position 4821, C replaced by T.
Protein change: p.Gly1607=; no amino-acid change (glycine 1607 retained).
Molecular consequence: synonymous variant.
Genome position (GRCh38, 1-based): chr9:134,824,722, C>T. VCF-style: chr9-134824722-C-T. GRCh37 (hg19) VCF-style: chr9-137716568-C-T.
Other names: c.4821C>T, p.Gly1607= (NM_001278074.1).
Identifiers: ClinVar variation 2761701 (VCV002761701.3), dbSNP rs2490880743, ClinGen allele CA467816193.

ClinVar aggregate classification (germline): Uncertain significance (1 of 4 stars; one submission).

Conditions:
Ehlers-Danlos syndrome, classic type, 1 (EDSCL1). Also called: EHLERS-DANLOS SYNDROME, GRAVIS TYPE; EHLERS-DANLOS SYNDROME, SEVERE CLASSIC TYPE; Ehlers-Danlos syndrome, type 1; Ehlers-Danlos Syndrome, Classic Type, COL5A1-Related; EDS I. Identifiers: MedGen C0268335, MONDO:0019567, OMIM 130000.

Allele frequency attached by ClinVar (database versions not stated): gnomAD exomes below 0.00001.
gnomAD v4.1: 1 of 1,614,236 alleles (0.000062%); highest among the groups gnomAD compares: Non-Finnish European, 0.000085%; no homozygotes.

Submission:

Labcorp Genetics (formerly Invitae), Labcorp
Classification: Uncertain significance for Ehlers-Danlos syndrome, classic type, 1. Last evaluated: 2023-09-18. Review status: criteria provided, single submitter. Criteria: Invitae Variant Classification Sherloc (09022015). Collection method: clinical testing. Allele origin: germline.
Comment: This sequence change affects codon 1607 of the COL5A1 mRNA. It is a 'silent' change, meaning that it does not change the encoded amino acid sequence of the COL5A1 protein. This variant is not present in population databases (gnomAD no frequency). This variant has not been reported in the literature in individuals affected with COL5A1-related conditions. Algorithms developed to predict the effect of sequence changes on RNA splicing suggest that this variant may create or strengthen a splice site. In summary, the available evidence is currently insufficient to determine the role of this variant in disease. Therefore, it has been classified as a Variant of Uncertain Significance.